The following is an entry in ClinVar:

ClinVar aggregate classification (germline): Benign (1 of 4 stars; one submission).

Allele frequency attached by ClinVar (database versions not stated): 1000 Genomes Project 0.31230; 1000 Genomes Project 30x 0.31683; TOPMed 0.40504; gnomAD 0.40802 and 0.41691.
gnomAD v4.1: 62,190 of 151,740 alleles (41%); highest among the groups gnomAD compares: Non-Finnish European, 50%; 13,414 homozygotes.

Submission:

GeneDx
Classification: Benign. Last evaluated: 2018-06-14. Review status: criteria provided, single submitter. Criteria: GeneDx Variant Classification (06012015). Collection method: clinical testing. Allele origin: germline. Affected: yes.
Comment: This variant is considered likely benign or benign based on one or more of the following criteria: it is a conservative change, it occurs at a poorly conserved position in the protein, it is predicted to be benign by multiple in silico algorithms, and/or has population frequency not consistent with disease.

NM_020247.5(COQ8A):c.1660-262T>A

Gene: COQ8A (coenzyme Q8A; plus strand). Cytogenetic location: 1q42.13.
Variant type: single nucleotide variant.
Coding change: c.1660-262T>A on transcript NM_020247.5 (MANE Select); 262 bases into the intron before coding-DNA position 1660, T replaced by A.
Molecular consequence: intron variant.
Genome position (GRCh38, 1-based): chr1:226,986,191, T>A. VCF-style: chr1-226986191-T-A. GRCh37 (hg19) VCF-style: chr1-227173892-T-A.
Identifiers: ClinVar variation 683201 (VCV000683201.1), dbSNP rs17592479, ClinGen allele CA10704030.